The following is an entry in ClinVar:

ClinVar aggregate classification (germline): Uncertain significance (1 of 4 stars; one submission).

Conditions:
MHC class I deficiency. Identifiers: Orphanet 34592, MedGen C6024714, MONDO:0011476.

Allele frequency attached by ClinVar (database versions not stated): TOPMed 0.00001.
gnomAD v4.1: 29 of 1,613,076 alleles (0.0018%); highest among the groups gnomAD compares: Non-Finnish European, 0.0025%; no homozygotes.

Submission:

Labcorp Genetics (formerly Invitae), Labcorp
Classification: Uncertain significance for MHC class I deficiency 1. Last evaluated: 2022-09-17. Review status: criteria provided, single submitter. Criteria: Invitae Variant Classification Sherloc (09022015). Collection method: clinical testing. Allele origin: germline.
Comment: In summary, the available evidence is currently insufficient to determine the role of this variant in disease. Therefore, it has been classified as a Variant of Uncertain Significance. Experimental studies and prediction algorithms are not available or were not evaluated, and the functional significance of this variant is currently unknown. This sequence change creates a premature translational stop signal (p.Tyr65*) in the TAPBP gene. It is expected to result in an absent or disrupted protein product. However, the current clinical and genetic evidence is not sufficient to establish whether loss-of-function variants in TAPBP cause disease. This variant is present in population databases (no rsID available, gnomAD 0.0009%). This variant has not been reported in the literature in individuals affected with TAPBP-related conditions.

NM_003190.5(TAPBP):c.195T>G (p.Tyr65Ter)

Gene: TAPBP (TAP binding protein; minus strand). Cytogenetic location: 6p21.32.
Variant type: single nucleotide variant.
Coding change: c.195T>G on transcript NM_003190.5 (MANE Select); coding-DNA position 195, T replaced by G.
Protein change: p.Tyr65Ter; replaces tyrosine 65 with a stop codon.
Molecular consequence: nonsense.
Genome position (GRCh38, 1-based): chr6:33,313,707, A>C on the plus strand (T>G on the coding strand, the complement: TAPBP is on the minus strand). VCF-style: chr6-33313707-A-C. GRCh37 (hg19) VCF-style: chr6-33281484-A-C.
Other names: c.195T>G, p.Tyr65Ter (NM_001410875.1, NM_172208.3, NM_172209.3); short protein forms Y65*.
Identifiers: ClinVar variation 2189679 (VCV002189679.4), dbSNP rs888503276, ClinGen allele CA137058245.